The following is an entry in ClinVar:

NM_001305581.2(LRMDA):c.386A>G (p.Tyr129Cys)

Gene: LRMDA (leucine rich melanocyte differentiation associated; plus strand). Cytogenetic location: 10q22.3.
Variant type: single nucleotide variant.
Coding change: c.386A>G on transcript NM_001305581.2 (MANE Select); coding-DNA position 386, A replaced by G.
Protein change: p.Tyr129Cys; replaces tyrosine 129 with cysteine.
Molecular consequence: missense variant. On other transcripts: non-coding transcript variant (1).
Genome position (GRCh38, 1-based): chr10:76,047,291, A>G. VCF-style: chr10-76047291-A-G. GRCh37 (hg19) VCF-style: chr10-77807049-A-G.
Other names: c.302A>G, p.Tyr101Cys (NM_032024.5); c.302A>G (NM_032024.3); short protein forms Y101C, Y129C.
Identifiers: ClinVar variation 1911807 (VCV001911807.4), dbSNP rs376517849, ClinGen allele CA5567596.

ClinVar aggregate classification (germline): Uncertain significance. Review status: criteria provided, multiple submitters, no conflicts (2 of 4 stars). 2 submissions from 2 submitters: Uncertain significance (2). Last evaluated 2022-04-06.

Conditions:
Inborn genetic diseases. Identifiers: MedGen C0950123, MeSH D030342.

Allele frequency attached by ClinVar (database versions not stated): ExAC 0.00002; TOPMed 0.00002; gnomAD 0.00003; gnomAD exomes 0.00005; ESP Exome Variant Server 0.00008.
gnomAD v4.1: 73 of 1,611,914 alleles (0.0045%); highest among the groups gnomAD compares: Non-Finnish European, 0.0057%; no homozygotes.

Submissions (2):

Labcorp Genetics (formerly Invitae), Labcorp
Classification: Uncertain significance. Last evaluated: 2022-04-06. Review status: criteria provided, single submitter. Criteria: Invitae Variant Classification Sherloc (09022015). Collection method: clinical testing. Allele origin: germline.
Comment: In summary, the available evidence is currently insufficient to determine the role of this variant in disease. Therefore, it has been classified as a Variant of Uncertain Significance. Algorithms developed to predict the effect of missense changes on protein structure and function are either unavailable or do not agree on the potential impact of this missense change (SIFT: "Deleterious"; PolyPhen-2: "Probably Damaging"; Align-GVGD: "Class C0"). This variant has not been reported in the literature in individuals affected with C10orf11-related conditions. This variant is present in population databases (rs376517849, gnomAD 0.004%). This sequence change replaces tyrosine, which is neutral and polar, with cysteine, which is neutral and slightly polar, at codon 101 of the C10orf11 protein (p.Tyr101Cys).

Ambry Genetics
Classification: Uncertain significance for Inborn genetic diseases. Last evaluated: 2021-07-28. Review status: criteria provided, single submitter. Criteria: Ambry Variant Classification Scheme 2023. Collection method: clinical testing. Allele origin: germline.